The following is an entry in ClinVar:

NM_024757.5(EHMT1):c.1533_1536del (p.Asp512fs)

Gene: EHMT1 (euchromatic histone lysine methyltransferase 1; plus strand). Cytogenetic location: 9q34.3.
Variant type: Microsatellite.
Coding change: c.1533_1536del on transcript NM_024757.5 (MANE Select); coding-DNA positions 1533 to 1536, 4 bases deleted (AGAC; older notation c.1533_1536delAGAC).
Protein change: p.Asp512fs; shifts the reading frame from aspartic acid 512.
Molecular consequence: frameshift variant.
Genome position (GRCh38, 1-based): chr9:137,762,706-137,762,709, AGAC deleted; deleting any 4 consecutive bases within chr9:137,762,702-137,762,709 gives the same sequence; the c. name uses the placement nearest the transcript's 3' end. VCF-style (leftmost placement, unchanged base first): chr9-137762701-GAGAC-G. GRCh37 (hg19) VCF-style: chr9-140657153-GAGAC-G.
Other names: c.1533_1536del, p.Asp512fs (NM_001145527.2, NM_001354611.2); c.1440_1443del, p.Asp481fs (NM_001354259.2, NM_001354612.2); c.1512_1515del, p.Asp505fs (NM_001354263.2); short protein forms D505fs, D512fs, D481fs.
Identifiers: ClinVar variation 65726 (VCV000065726.4), dbSNP rs137852716, ClinGen allele CA345048.

ClinVar aggregate classification (germline): Pathogenic/Likely pathogenic. Review status: criteria provided, multiple submitters, no conflicts (2 of 4 stars). 3 submissions from 3 submitters: Pathogenic (1); Likely pathogenic (1). 1 of the submissions does not count toward it. Last evaluated 2023-11-03.

Conditions:
Kleefstra syndrome 1 (KLEFS1). Identifiers: Orphanet 261494, MedGen C0795833, MONDO:0027407, OMIM 610253.

Submissions (3):

Laboratorio de Genetica e Diagnostico Molecular, Hospital Israelita Albert Einstein
Classification: Likely pathogenic for Kleefstra syndrome 1. Last evaluated: 2023-11-03. Review status: criteria provided, single submitter. Criteria: ACMG Guidelines, 2015. Collection method: clinical testing. Allele origin: germline. Affected: yes.
Comment: ACMG classification criteria: PVS1 very strong, PM2 moderate

Laboratory of Genetics, Children's Clinical University Hospital Latvia
Classification: Pathogenic for Kleefstra syndrome 1. Review status: criteria provided, single submitter. Criteria: ACMG Guidelines, 2015. Collection method: curation. Allele origin: germline. Affected: yes.
Comment: Inheritance unknown

GeneReviews
No classification provided. Condition: Kleefstra syndrome 1. Review status: no classification provided. Collection method: literature only. Allele origin: germline. Affected: yes. Not counted in ClinVar's aggregate classification.

Literature cited by the submitters: PubMed 39013458 (cited by Laboratory of Genetics, Children's Clinical University Hospital Latvia); PubMed 19264732 (cited by GeneReviews); NCBI Bookshelf NBK47079 (cited by GeneReviews).